The following is an entry in ClinVar:

ClinVar aggregate classification (germline): Uncertain significance (1 of 4 stars; one submission).

gnomAD v4.1: 2 of 1,613,954 alleles (0.00012%); highest among the groups gnomAD compares: Non-Finnish European, 0.00017%; no homozygotes.

Submission:

Ambry Genetics
Classification: Uncertain significance. Last evaluated: 2025-11-15. Review status: criteria provided, single submitter. Criteria: Ambry Variant Classification Scheme 2023. Collection method: clinical testing. Allele origin: germline.
Comment: The p.T588P variant (also known as c.1762A>C), located in coding exon 2 of the CDK12 gene, results from an A to C substitution at nucleotide position 1762. The threonine at codon 588 is replaced by proline, an amino acid with highly similar properties. This amino acid position is conserved. In addition, this alteration is predicted to be tolerated by in silico analysis. Based on the available evidence, the clinical significance of this variant remains unclear.

NM_016507.4(CDK12):c.1762A>C (p.Thr588Pro)

Gene: CDK12 (cyclin dependent kinase 12; plus strand). Cytogenetic location: 17q12.
Variant type: single nucleotide variant.
Coding change: c.1762A>C on transcript NM_016507.4 (MANE Select); coding-DNA position 1762, A replaced by C.
Protein change: p.Thr588Pro; replaces threonine 588 with proline.
Molecular consequence: missense variant.
Genome position (GRCh38, 1-based): chr17:39,471,594, A>C. VCF-style: chr17-39471594-A-C. GRCh37 (hg19) VCF-style: chr17-37627847-A-C.
Other names: c.1762A>C, p.Thr588Pro (NM_015083.4); short protein forms T588P.
Identifiers: ClinVar variation 4651445 (VCV004651445.1).